The following is an entry in ClinVar:

ClinVar aggregate classification (germline): Uncertain significance (1 of 4 stars; one submission).

Submission:

Labcorp Genetics (formerly Invitae), Labcorp
Classification: Uncertain significance. Last evaluated: 2024-01-16. Review status: criteria provided, single submitter. Criteria: Invitae Variant Classification Sherloc (09022015). Collection method: clinical testing. Allele origin: germline.
Comment: This sequence change replaces leucine, which is neutral and non-polar, with proline, which is neutral and non-polar, at codon 292 of the LONP1 protein (p.Leu292Pro). This variant is not present in population databases (gnomAD no frequency). This variant has not been reported in the literature in individuals affected with LONP1-related conditions. Advanced modeling of protein sequence and biophysical properties (such as structural, functional, and spatial information, amino acid conservation, physicochemical variation, residue mobility, and thermodynamic stability) performed at Invitae indicates that this missense variant is not expected to disrupt LONP1 protein function with a negative predictive value of 80%. In summary, the available evidence is currently insufficient to determine the role of this variant in disease. Therefore, it has been classified as a Variant of Uncertain Significance.

NM_004793.4(LONP1):c.875T>C (p.Leu292Pro)

Gene: LONP1 (lon peptidase 1, mitochondrial; minus strand). Cytogenetic location: 19p13.3.
Variant type: single nucleotide variant.
Coding change: c.875T>C on transcript NM_004793.4 (MANE Select); coding-DNA position 875, T replaced by C.
Protein change: p.Leu292Pro; replaces leucine 292 with proline.
Molecular consequence: missense variant. On other transcripts: non-coding transcript variant (1).
Genome position (GRCh38, 1-based): chr19:5,708,399, A>G on the plus strand (T>C on the coding strand, the complement: LONP1 is on the minus strand). VCF-style: chr19-5708399-A-G. GRCh37 (hg19) VCF-style: chr19-5708410-A-G.
Other names: c.683T>C, p.Leu228Pro (NM_001276479.2); c.287T>C, p.Leu96Pro (NM_001276480.1); short protein forms L228P, L292P, L96P.
Identifiers: ClinVar variation 2708211 (VCV002708211.3), dbSNP rs2512415312, ClinGen allele CA403537013.